The following is an entry in ClinVar:

ClinVar aggregate classification (germline): Likely benign (1 of 4 stars; one submission).

Conditions:
ALMS1-related disorder. Also called: ALMS1-related condition.

Submission:

PreventionGenetics, part of Exact Sciences
Classification: Likely benign for ALMS1-related condition. Last evaluated: 2020-12-08. Review status: criteria provided, single submitter. Criteria: ACMG Guidelines, 2015. Collection method: clinical testing. Allele origin: germline.
Comment: This variant is classified as likely benign based on ACMG/AMP sequence variant interpretation guidelines (Richards et al. 2015 PMID: 25741868, with internal and published modifications).

NM_001378454.1(ALMS1):c.1971G>A (p.Gln657=)

Gene: ALMS1 (ALMS1 centrosome and basal body associated protein; plus strand). Cytogenetic location: 2p13.1.
Variant type: single nucleotide variant.
Coding change: c.1971G>A on transcript NM_001378454.1 (MANE Select); coding-DNA position 1971, G replaced by A.
Protein change: p.Gln657=; no amino-acid change (glutamine 657 retained).
Molecular consequence: synonymous variant.
Genome position (GRCh38, 1-based): chr2:73,448,498, G>A. VCF-style: chr2-73448498-G-A. GRCh37 (hg19) VCF-style: chr2-73675625-G-A.
Other names: c.1974G>A, p.Gln658= (NM_015120.4).
Identifiers: ClinVar variation 3045028 (VCV003045028.1), dbSNP rs753296810, ClinGen allele CA427019336.
Genomic context (GRCh38, chr2:73,448,498, plus strand): 5'-AGAGAGTAACTTAACCGAAGAGCCTTTGGAAGTTTCAGCTGCTCCTGGCCCAGTGGAGCA[G>A]AAGACGGGAATACCTACAGTATCCTCTACATCCCACTCACATGTAGAGGACCTCCTCTTT-3'
Protein context (NP_001365383.1, residues 647-667): EVSAAPGPVE[Gln657=]KTGIPTVSST